The following is an entry in ClinVar:

ClinVar aggregate classification (germline): Uncertain significance. Review status: criteria provided, multiple submitters, no conflicts (2 of 4 stars). 5 submissions from 5 submitters: Uncertain significance (5). Last evaluated 2025-10-12.

Conditions:
Myopathy, proximal, and ophthalmoplegia (CMYO6). Also called: INCLUSION BODY MYOPATHY 3, AUTOSOMAL DOMINANT; MYOPATHY WITH CONGENITAL JOINT CONTRACTURES, OPHTHALMOPLEGIA, AND RIMMED VACUOLES; CONGENITAL MYOPATHY 6 WITH OPHTHALMOPLEGIA. Identifiers: Orphanet 363677, Orphanet 79091, MedGen C1854106, MONDO:0011577, OMIM 605637.
Inborn genetic diseases. Identifiers: MedGen C0950123, MeSH D030342.

Allele frequency attached by ClinVar (database versions not stated): gnomAD exomes 0.00003 and 0.00006; ExAC 0.00007.
gnomAD v4.1: 38 of 1,614,072 alleles (0.0024%); highest among the groups gnomAD compares: Admixed American, 0.012%; no homozygotes.

Submissions (5):

Labcorp Genetics (formerly Invitae), Labcorp
Classification: Uncertain significance for Myopathy, proximal, and ophthalmoplegia. Last evaluated: 2025-10-12. Review status: criteria provided, single submitter. Criteria: Invitae Variant Classification Sherloc (09022015). Collection method: clinical testing. Allele origin: germline.
Comment: This sequence change replaces leucine, which is neutral and non-polar, with valine, which is neutral and non-polar, at codon 1297 of the MYH2 protein (p.Leu1297Val). This variant is present in population databases (rs777266089, gnomAD 0.02%). This variant has not been reported in the literature in individuals affected with MYH2-related conditions. ClinVar contains an entry for this variant (Variation ID: 952497). Invitae Evidence Modeling of protein sequence and biophysical properties (such as structural, functional, and spatial information, amino acid conservation, physicochemical variation, residue mobility, and thermodynamic stability) indicates that this missense variant is not expected to disrupt MYH2 protein function with a negative predictive value of 80%. In summary, the available evidence is currently insufficient to determine the role of this variant in disease. Therefore, it has been classified as a Variant of Uncertain Significance.

Blueprint Genetics
Classification: Uncertain significance. Last evaluated: 2024-08-14. Review status: criteria provided, single submitter. Criteria: ACMG Guidelines, 2015. Collection method: clinical testing. Allele origin: germline.

Revvity Omics, Revvity
Classification: Uncertain significance for Myopathy, proximal, and ophthalmoplegia. Last evaluated: 2024-07-17. Review status: criteria provided, single submitter. Criteria: ACMG Guidelines, 2015. Collection method: clinical testing. Allele origin: germline.

Ambry Genetics
Classification: Uncertain significance for Inborn genetic diseases. Last evaluated: 2023-06-05. Review status: criteria provided, single submitter. Criteria: Ambry Variant Classification Scheme 2023. Collection method: clinical testing. Allele origin: germline.

CeGaT Center for Human Genetics Tuebingen
Classification: Uncertain significance. Last evaluated: 2020-09-01. Review status: criteria provided, single submitter. Criteria: CeGaT Center For Human Genetics Tuebingen Variant Classification Criteria Version 2. Collection method: clinical testing. Allele origin: germline. Affected: yes. Observed: 1 variant allele.

NM_017534.6(MYH2):c.3889C>G (p.Leu1297Val)

Genes: MYH2 (myosin heavy chain 2; minus strand), MYHAS (myosin heavy chain gene cluster antisense RNA; plus strand). Cytogenetic location: 17p13.1.
Variant type: single nucleotide variant.
Coding change: c.3889C>G on transcript NM_017534.6 (MANE Select); coding-DNA position 3889, C replaced by G.
Protein change: p.Leu1297Val; replaces leucine 1297 with valine.
Molecular consequence: missense variant.
Genome position (GRCh38, 1-based): chr17:10,527,039, G>C on the plus strand (C>G on the coding strand, the complement: MYH2 is on the minus strand). VCF-style: chr17-10527039-G-C. GRCh37 (hg19) VCF-style: chr17-10430356-G-C.
Other names: c.3889C>G, p.Leu1297Val (NM_001100112.2); short protein forms L1297V.
Identifiers: ClinVar variation 952497 (VCV000952497.49), dbSNP rs777266089, ClinGen allele CA8390777.